The following is an entry in ClinVar:

NM_000091.5(COL4A3):c.4018G>C (p.Gly1340Arg)

Genes: COL4A3 (collagen type IV alpha 3 chain; plus strand), MFF-DT (MFF divergent transcript; minus strand). Cytogenetic location: 2q36.3.
Variant type: single nucleotide variant.
Coding change: c.4018G>C on transcript NM_000091.5 (MANE Select); coding-DNA position 4018, G replaced by C.
Protein change: p.Gly1340Arg; replaces glycine 1340 with arginine.
Molecular consequence: missense variant.
Genome position (GRCh38, 1-based): chr2:227,303,921, G>C. VCF-style: chr2-227303921-G-C. GRCh37 (hg19) VCF-style: chr2-228168637-G-C.
Other names: short protein forms G1340R.
Identifiers: ClinVar variation 4293285 (VCV004293285.2).

ClinVar aggregate classification (germline): Uncertain significance (1 of 4 stars; one submission).

Conditions:
Alport syndrome 3b, autosomal recessive. Identifiers: MedGen C5882699, MONDO:0957811, OMIM 620536.

Submission:

3billion
Classification: Uncertain significance for Alport syndrome 3b, autosomal recessive. Last evaluated: 2025-10-17. Review status: criteria provided, single submitter. Criteria: ACMG Guidelines, 2015. Collection method: clinical testing. Allele origin: germline. Affected: yes.
Comment: The variant is not observed in the gnomAD v4.1.0 dataset. Predicted Consequence/Location: Missense variant In silico tool predictions suggest damaging effect of the variant on gene or gene product [REVEL: 1.00 (>=0.6, sensitivity 0.68 and specificity 0.92)]. A different missense change at the same codon (p.Gly1340Glu) has been reported to be associated with COL4A3-related disorder (ClinVar ID: VCV000438698). However the evidence of pathogenicity is insufficient at this time. Therefore, this variant is classified as VUS according to the recommendation of ACMG/AMP guideline.